The following is an entry in ClinVar:

ClinVar aggregate classification (germline): Pathogenic (1 of 4 stars; one submission).

Submission:

Labcorp Genetics (formerly Invitae), Labcorp
Classification: Pathogenic. Last evaluated: 2025-11-10. Review status: criteria provided, single submitter. Criteria: Invitae Variant Classification Sherloc (09022015). Collection method: clinical testing. Allele origin: germline.
Comment: This sequence change creates a premature translational stop signal (p.Lys287Serfs*6) in the TET2 gene. It is expected to result in an absent or disrupted protein product. Loss-of-function variants in TET2 are known to be pathogenic (PMID: 36066697). This variant is not present in population databases (gnomAD no frequency). This variant has not been reported in the literature in individuals affected with TET2-related conditions. ClinVar contains an entry for this variant (Variation ID: 2798192). For these reasons, this variant has been classified as Pathogenic.

Literature cited by the submitters: PubMed 36066697.

NM_001127208.3(TET2):c.860del (p.Lys287fs)

Genes: TET2 (tet methylcytosine dioxygenase 2; plus strand), TET2-AS1 (TET2 antisense RNA 1; minus strand). Cytogenetic location: 4q24.
Variant type: Deletion.
Coding change: c.860del on transcript NM_001127208.3 (MANE Select); coding-DNA position 860, one base deleted (A; older notation c.860delA).
Protein change: p.Lys287fs; shifts the reading frame from lysine 287.
Molecular consequence: frameshift variant.
Genome position (GRCh38, 1-based): chr4:105,234,802, A deleted; the last of 3 consecutive A bases (chr4:105,234,800-105,234,802); deleting any one gives the same sequence. VCF-style (leftmost placement, unchanged base first): chr4-105234799-CA-C. GRCh37 (hg19) VCF-style: chr4-106155956-CA-C.
Other names: c.860del, p.Lys287fs (NM_017628.4); short protein forms K287fs.
Identifiers: ClinVar variation 2798192 (VCV002798192.3), dbSNP rs2476484066, ClinGen allele CA2739270213.